The following is an entry in ClinVar:

NM_001303256.3(MORC2):c.79G>A (p.Glu27Lys)

Gene: MORC2 (MORC family CW-type zinc finger 2; minus strand). Cytogenetic location: 22q12.2.
Variant type: single nucleotide variant.
Coding change: c.79G>A on transcript NM_001303256.3 (MANE Select); coding-DNA position 79, G replaced by A.
Protein change: p.Glu27Lys; replaces glutamic acid 27 with lysine.
Molecular consequence: missense variant. On other transcripts: 5 prime UTR variant (1).
Genome position (GRCh38, 1-based): chr22:30,958,684, C>T on the plus strand (G>A on the coding strand, the complement: MORC2 is on the minus strand). VCF-style: chr22-30958684-C-T. GRCh37 (hg19) VCF-style: chr22-31354670-C-T.
Other names: c.79G>A, p.Glu27Lys (NM_001303257.2); c.-108G>A (NM_014941.3, NM_014941.1); short protein forms E27K.
Identifiers: ClinVar variation 804164 (VCV000804164.31), dbSNP rs1602510200, ClinGen allele CA411534716.

ClinVar aggregate classification (germline): Pathogenic/Likely pathogenic. Review status: criteria provided, multiple submitters, no conflicts (2 of 4 stars). 16 submissions from 16 submitters: Pathogenic (12); Likely pathogenic (1). 3 of the submissions do not count toward it. Last evaluated 2025-08-25.

Conditions:
Developmental delay, impaired growth, dysmorphic facies, and axonal neuropathy. Identifiers: MedGen C5436781, MONDO:0030835, OMIM 619090.
Neurodevelopmental disorder. Identifiers: MedGen C1535926, MeSH D065886, MONDO:0700092.
Inborn genetic diseases. Identifiers: MedGen C0950123, MeSH D030342.
MORC2-related disorder. Also called: MORC2-related condition.
Charcot-Marie-Tooth disease axonal type 2Z. Also called: CHARCOT-MARIE-TOOTH DISEASE, AXONAL, AUTOSOMAL DOMINANT, TYPE 2Z; CHARCOT-MARIE-TOOTH NEUROPATHY, TYPE 2Z. Identifiers: Orphanet 466768, MedGen C5569025, MONDO:0014736, OMIM 616688.
MORC2-related neurodevelopmental disorders.

Submissions 1 to 9 of 16:

3billion
Classification: Pathogenic for MORC2-related disorder. Last evaluated: 2025-08-25. Review status: criteria provided, single submitter. Criteria: ACMG Guidelines, 2015. Collection method: clinical testing. Allele origin: germline. Affected: yes.
Comment: The variant is not observed in the gnomAD v4.1.0 dataset. Predicted Consequence/Location: Missense variant. Missense changes are a common disease-causing mechanism. In silico tool predictions suggest damaging effect of the variant on gene or gene product [3Cnet: 0.95 (> 0.75, sensitivity 0.96 and precision 0.92)]. The same nucleotide change resulting in the same amino acid change has been previously reported as pathogenic/likely pathogenic with strong evidence (ClinVar ID: VCV000804164 /PMID: 28135719 /3billion dataset). The variant has been previously reported as de novo in a similarly affected individual (PMID: 28135719). Therefore, this variant is classified as Pathogenic according to the recommendation of ACMG/AMP guideline.

Institute of Medical Genetics and Applied Genomics, University Hospital Tübingen
Classification: Pathogenic for Developmental delay, impaired growth, dysmorphic facies, and axonal neuropathy. Last evaluated: 2022-12-15. Review status: criteria provided, single submitter. Criteria: ACMG Guidelines, 2015. Collection method: clinical testing. Allele origin: germline. Inheritance: Autosomal dominant inheritance. Affected: yes.

Labcorp Genetics (formerly Invitae), Labcorp
Classification: Pathogenic for Charcot-Marie-Tooth disease axonal type 2Z. Last evaluated: 2022-11-29. Review status: criteria provided, single submitter. Criteria: Invitae Variant Classification Sherloc (09022015). Collection method: clinical testing. Allele origin: germline.
Comment: For these reasons, this variant has been classified as Pathogenic. Experimental studies have shown that this missense change affects MORC2 function (PMID: 32693025). Advanced modeling of protein sequence and biophysical properties (such as structural, functional, and spatial information, amino acid conservation, physicochemical variation, residue mobility, and thermodynamic stability) performed at Invitae indicates that this missense variant is expected to disrupt MORC2 protein function. ClinVar contains an entry for this variant (Variation ID: 804164). This missense change has been observed in individual(s) with clinical features of MORC2-related conditions (PMID: 32693025). In at least one individual the variant was observed to be de novo. This variant is not present in population databases (gnomAD no frequency). This sequence change replaces glutamic acid, which is acidic and polar, with lysine, which is basic and polar, at codon 27 of the MORC2 protein (p.Glu27Lys).

PreventionGenetics, part of Exact Sciences
Classification: Pathogenic for MORC2-related condition. Last evaluated: 2022-08-23. Review status: criteria provided, single submitter. Criteria: ACMG Guidelines, 2015. Collection method: clinical testing. Allele origin: germline.
Comment: The MORC2 c.79G>A variant is predicted to result in the amino acid substitution p.Glu27Lys. This variant has been reported to occur de novo in multiple unrelated individuals with MORC2-related disorders (Supplementary Table 1 in McRae et al. 2017. PubMed ID: 28135719; Guillen Sacoto et al. 2020. PubMed ID: 32693025). Consistent with this, functional studies demonstrate the c.79G>A (p.Glu27Lys) variant exerts a hyperactivating effect on HUSH-mediated transcriptional silencing (Guillen Sacoto et al. 2020. PubMed ID: 32693025). This variant has not been reported in a large population database, indicating this variant is rare. Multiple clinical diagnostic laboratories have interpreted this variant as pathogenic in the ClinVar database. Based on the available evidence, we classify this variant as pathogenic.

Institute of Human Genetics, University of Leipzig Medical Center
Classification: Pathogenic for Developmental delay, impaired growth, dysmorphic facies, and axonal neuropathy. Last evaluated: 2022-08-15. Review status: criteria provided, single submitter. Criteria: ACMG Guidelines, 2015. Collection method: clinical testing. Allele origin: de novo. Affected: yes.
Comment: This variant was identified as de novo (maternity and paternity confirmed)._x000D_ Criteria applied: PS2_VSTR, PS3, PS4_MOD, PM2_SUP, PP3

Breda Genetics srl
Classification: Pathogenic for Developmental delay, impaired growth, dysmorphic facies, and axonal neuropathy. Last evaluated: 2022-06-29. Review status: criteria provided, single submitter. Criteria: ACMG Guidelines, 2015. Collection method: clinical testing. Allele origin: germline. Inheritance: Autosomal dominant inheritance. Affected: yes. Observed: 1 variant allele, 1 heterozygote.
Comment: The variantc.79G>A (p.Glu27Lys) in the MORC2 gene is reported as pathogenic for neurodevelopmental disorders MORC2-related in ClinVar (Variation ID: 806144) and in LOVD database v.3.0. Sacoto et al. (2020, PMID:32693025) reported this variant in the heterozygous state in five patient with psychomotor retardation, developmental delay and intellectual disability. This variant has also been found in another study (Deciphering Developmental Disorders Study, 2017, PMID: 28135719), in a patient with developmental delay, but without any additional clinical sign reported in the article (PMID:28135719). The variant has not been reported in dbSNP, gnomAD, 1000 Genomes Project or ClinVar.

Mendelics
Classification: Pathogenic for Charcot-Marie-Tooth disease axonal type 2Z. Last evaluated: 2022-05-04. Review status: criteria provided, single submitter. Criteria: Mendelics Assertion Criteria 2019. Collection method: clinical testing. Allele origin: germline.

GeneDx
Classification: Pathogenic. Last evaluated: 2022-03-21. Review status: criteria provided, single submitter. Criteria: GeneDx Variant Classification Process June 2021. Collection method: clinical testing. Allele origin: germline. Affected: yes.
Comment: Reported in the literature as a de novo finding in an individual with a neurodevelopmental disorder, however, additional clinical information was not included (Deciphering Developmental Disorders Study, 2017); Not observed at significant frequency in large population cohorts (gnomAD); In silico analysis supports that this missense variant does not alter protein structure/function; This variant is associated with the following publications: (PMID: 28135719, 32693025)

Victorian Clinical Genetics Services, Murdoch Childrens Research Institute
Classification: Pathogenic for Neurodevelopmental disorder. Last evaluated: 2022-02-02. Review status: criteria provided, single submitter. Criteria: ACMG Guidelines, 2015. Collection method: clinical testing. Allele origin: germline. Inheritance: Autosomal dominant inheritance.
Comment: Based on the classification scheme VCGS_Germline_v1.3.4, this variant is classified as pathogenic. Following criteria are met: 0101 - Gain of function is a known mechanism of disease in this gene and is associated with axonal Charcot-Marie-Tooth disease type 2Z (MIM#616688), and Developmental delay, impaired growth, dysmorphic facies, and axonal neuropathy (MIM#619090) (PMID: 32693025). (I) 0107 - This gene is associated with autosomal dominant disease. (I) 0200 - Variant is predicted to result in a missense amino acid change from glutamic acid to lysine. (I) 0251 - This variant is heterozygous. (I) 0301 - Variant is absent from gnomAD (both v2 and v3). (SP) 0502 - Missense variant with conflicting in silico predictions and uninformative conservation. (I) 0600 - Variant is located in the annotated Histidine kinase-like ATPase domain (NCBI). (I) 0705 - No comparable missense variants have previous evidence for pathogenicity. (I) 0801 - This variant has strong previous evidence of pathogenicity in unrelated individuals. This is a recurrent de novo variant reported in multiple individuals with neurodevelopmental disorders with growth retardation and variable craniofacial dysmorphism (ClinVar, Decipher, PMID: 32693025). (SP) 0905 - No published segregation evidence has been identified for this variant. (I) 1002 - This variant has moderate functional evidence supporting abnormal protein function. This variant resulted in hyperactivation of epigenetic silencing by the HUSH complex (PMID: 32693025). (SP) Legend: (SP) - Supporting pathogenic, (I) - Information, (SB) - Supporting benign